The following is an entry in ClinVar:

NM_000540.3(RYR1):c.1441G>A (p.Gly481Arg)

Genes: RYR1 (ryanodine receptor 1; plus strand), LOC129391106 (MPRA-validated peak3472 silencer; plus strand). Cytogenetic location: 19q13.2.
Variant type: single nucleotide variant.
Coding change: c.1441G>A on transcript NM_000540.3 (MANE Select); coding-DNA position 1441, G replaced by A.
Protein change: p.Gly481Arg; replaces glycine 481 with arginine.
Molecular consequence: missense variant.
Genome position (GRCh38, 1-based): chr19:38,455,235, G>A. VCF-style: chr19-38455235-G-A. GRCh37 (hg19) VCF-style: chr19-38945875-G-A.
Other names: c.1441G>A, p.Gly481Arg (NM_001042723.2); short protein forms G481R.
Identifiers: ClinVar variation 2892813 (VCV002892813.3), dbSNP rs764939372, ClinGen allele CA061294.

ClinVar aggregate classification (germline): Uncertain significance (1 of 4 stars; one submission).

Conditions:
RYR1-related disorder. Also called: RYR1-related condition; RYR1-related disorders. Identifiers: MedGen CN239331.

Allele frequency attached by ClinVar (database versions not stated): ExAC 0.00001.

Submission:

Labcorp Genetics (formerly Invitae), Labcorp
Classification: Uncertain significance for RYR1-related disorder. Last evaluated: 2023-11-19. Review status: criteria provided, single submitter. Criteria: Invitae Variant Classification Sherloc (09022015). Collection method: clinical testing. Allele origin: germline.
Comment: This sequence change replaces glycine, which is neutral and non-polar, with arginine, which is basic and polar, at codon 481 of the RYR1 protein (p.Gly481Arg). This variant is present in population databases (rs764939372, gnomAD 0.01%). This variant has not been reported in the literature in individuals affected with RYR1-related conditions. An algorithm developed to predict the effect of missense changes on protein structure and function (PolyPhen-2) suggests that this variant is likely to be disruptive. In summary, the available evidence is currently insufficient to determine the role of this variant in disease. Therefore, it has been classified as a Variant of Uncertain Significance.